The following is an entry in ClinVar:

NM_003816.3(ADAM9):c.1489G>T (p.Val497Phe)

Gene: ADAM9 (ADAM metallopeptidase domain 9; plus strand). Cytogenetic location: 8p11.22.
Variant type: single nucleotide variant.
Coding change: c.1489G>T on transcript NM_003816.3 (MANE Select); coding-DNA position 1489, G replaced by T.
Protein change: p.Val497Phe; replaces valine 497 with phenylalanine.
Molecular consequence: missense variant. On other transcripts: non-coding transcript variant (3).
Genome position (GRCh38, 1-based): chr8:39,055,670, G>T. VCF-style: chr8-39055670-G-T. GRCh37 (hg19) VCF-style: chr8-38913189-G-T.
Other names: short protein forms V497F.
Identifiers: ClinVar variation 2012643 (VCV002012643.4), dbSNP rs1838096593, ClinGen allele CA370743710.

ClinVar aggregate classification (germline): Uncertain significance (1 of 4 stars; one submission).

Allele frequency attached by ClinVar (database versions not stated): TOPMed below 0.00001.
gnomAD v4.1: 1 of 1,613,770 alleles (0.000062%); no homozygotes.

Submission:

Labcorp Genetics (formerly Invitae), Labcorp
Classification: Uncertain significance. Last evaluated: 2022-07-01. Review status: criteria provided, single submitter. Criteria: Invitae Variant Classification Sherloc (09022015). Collection method: clinical testing. Allele origin: germline.
Comment: This variant is not present in population databases (gnomAD no frequency). In summary, the available evidence is currently insufficient to determine the role of this variant in disease. Therefore, it has been classified as a Variant of Uncertain Significance. Algorithms developed to predict the effect of missense changes on protein structure and function (SIFT, PolyPhen-2, Align-GVGD) all suggest that this variant is likely to be tolerated. This variant has not been reported in the literature in individuals affected with ADAM9-related conditions. This sequence change replaces valine, which is neutral and non-polar, with phenylalanine, which is neutral and non-polar, at codon 497 of the ADAM9 protein (p.Val497Phe).